The following is an entry in ClinVar:

ClinVar aggregate classification (germline): Uncertain significance (1 of 4 stars; one submission).

Conditions:
Cardiovascular phenotype. Identifiers: MedGen CN230736.
Hereditary cancer-predisposing syndrome. Also called: Neoplastic Syndromes, Hereditary; Tumor predisposition; Hereditary Cancer Syndrome; Hereditary neoplastic syndrome. Identifiers: Orphanet 140162, MedGen C0027672, MeSH D009386, MONDO:0015356.

Submission:

Ambry Genetics
Classification: Uncertain significance for Cardiovascular phenotype; Hereditary cancer-predisposing syndrome. Last evaluated: 2025-11-18. Review status: criteria provided, single submitter. Criteria: Ambry Variant Classification Scheme 2023. Collection method: clinical testing. Allele origin: germline.
Comment: The p.D668V variant (also known as c.2003A>T), located in coding exon 18 of the NF1 gene, results from an A to T substitution at nucleotide position 2003. The aspartic acid at codon 668 is replaced by valine, an amino acid with highly dissimilar properties. This amino acid position is conserved. In addition, this alteration is predicted to be tolerated by in silico analysis. Based on the available evidence, the clinical significance of this variant remains unclear.

NM_001042492.3(NF1):c.2003A>T (p.Asp668Val)

Gene: NF1 (neurofibromin 1; plus strand). Cytogenetic location: 17q11.2.
Variant type: single nucleotide variant.
Coding change: c.2003A>T on transcript NM_001042492.3 (MANE Select); coding-DNA position 2003, A replaced by T.
Protein change: p.Asp668Val; replaces aspartic acid 668 with valine.
Molecular consequence: missense variant.
Genome position (GRCh38, 1-based): chr17:31,226,436, A>T. VCF-style: chr17-31226436-A-T. GRCh37 (hg19) VCF-style: chr17-29553454-A-T.
Other names: c.2003A>T, p.Asp668Val (NM_000267.4); short protein forms D668V.
Identifiers: ClinVar variation 4615809 (VCV004615809.1).